The following is an entry in ClinVar:

ClinVar aggregate classification (germline): Uncertain significance. Review status: criteria provided, multiple submitters, no conflicts (2 of 4 stars). 2 submissions from 2 submitters: Uncertain significance (2). Last evaluated 2025-04-17.

Conditions:
Thyroid dyshormonogenesis 6 (TDH6). Also called: THYROID HORMONOGENESIS, GENETIC DEFECT IN, 6; Genetic transient congenital hypothyroidism; HYPOTHYROIDISM, CONGENITAL, DUE TO DYSHORMONOGENESIS, 6. Identifiers: Orphanet 226316, Orphanet 95716, MedGen C1846632, MONDO:0011792, OMIM 607200.

Allele frequency attached by ClinVar (database versions not stated): gnomAD below 0.00001 and 0.00001; ExAC 0.00002; gnomAD exomes 0.00003.
gnomAD v4.1: 11 of 1,614,008 alleles (0.00068%); highest among the groups gnomAD compares: South Asian, 0.0099%; no homozygotes.

Submissions (2):

Labcorp Genetics (formerly Invitae), Labcorp
Classification: Uncertain significance. Last evaluated: 2025-04-17. Review status: criteria provided, single submitter. Criteria: Invitae Variant Classification Sherloc (09022015). Collection method: clinical testing. Allele origin: germline.
Comment: This sequence change replaces lysine, which is basic and polar, with asparagine, which is neutral and polar, at codon 1524 of the DUOX2 protein (p.Lys1524Asn). This variant is present in population databases (rs760374437, gnomAD 0.02%). This variant has not been reported in the literature in individuals affected with DUOX2-related conditions. ClinVar contains an entry for this variant (Variation ID: 316135). Invitae Evidence Modeling of protein sequence and biophysical properties (such as structural, functional, and spatial information, amino acid conservation, physicochemical variation, residue mobility, and thermodynamic stability) indicates that this missense variant is not expected to disrupt DUOX2 protein function with a negative predictive value of 95%. In summary, the available evidence is currently insufficient to determine the role of this variant in disease. Therefore, it has been classified as a Variant of Uncertain Significance.

Illumina Laboratory Services, Illumina
Classification: Uncertain significance for Thyroid dyshormonogenesis 6. Last evaluated: 2018-01-12. Review status: criteria provided, single submitter. Criteria: ICSL Variant Classification Criteria 13 December 2019. Collection method: clinical testing. Allele origin: germline.

NM_001363711.2(DUOX2):c.4572G>T (p.Lys1524Asn)

Gene: DUOX2 (dual oxidase 2; minus strand). Cytogenetic location: 15q21.1.
Variant type: single nucleotide variant.
Coding change: c.4572G>T on transcript NM_001363711.2 (MANE Select); coding-DNA position 4572, G replaced by T.
Protein change: p.Lys1524Asn; replaces lysine 1524 with asparagine.
Molecular consequence: missense variant.
Genome position (GRCh38, 1-based): chr15:45,094,225, C>A on the plus strand (G>T on the coding strand, the complement: DUOX2 is on the minus strand). VCF-style: chr15-45094225-C-A. GRCh37 (hg19) VCF-style: chr15-45386423-C-A.
Other names: c.4572G>T, p.Lys1524Asn (NM_014080.5); short protein forms K1524N.
Identifiers: ClinVar variation 316135 (VCV000316135.6), dbSNP rs760374437, ClinGen allele CA7537461.